The following is an entry in ClinVar:

NM_006282.5(STK4):c.995G>T (p.Arg332Leu)

Gene: STK4 (serine/threonine kinase 4; plus strand). Cytogenetic location: 20q13.12.
Variant type: single nucleotide variant.
Coding change: c.995G>T on transcript NM_006282.5 (MANE Select); coding-DNA position 995, G replaced by T.
Protein change: p.Arg332Leu; replaces arginine 332 with leucine.
Molecular consequence: missense variant.
Genome position (GRCh38, 1-based): chr20:45,001,201, G>T. VCF-style: chr20-45001201-G-T. GRCh37 (hg19) VCF-style: chr20-43629842-G-T.
Other names: c.995G>T, p.Arg332Leu (NM_001352385.2); short protein forms R332L.
Identifiers: ClinVar variation 1383067 (VCV001383067.5), dbSNP rs146085540, ClinGen allele CA9873960.

ClinVar aggregate classification (germline): Uncertain significance (1 of 4 stars; one submission).

Conditions:
Combined immunodeficiency due to STK4 deficiency (IMD110). Also called: STK4 DEFICIENCY; MST1 DEFICIENCY; T-cell immunodeficiency, recurrent infections, and autoimmunity with or without cardiac malformations. Identifiers: Orphanet 314689, MedGen C3553943, MONDO:0013934, OMIM 614868.

Allele frequency attached by ClinVar (database versions not stated): 1000 Genomes Project 30x 0.00016; 1000 Genomes Project 0.00020.
gnomAD v4.1: 9 of 1,613,664 alleles (0.00056%); highest among the groups gnomAD compares: East Asian, 0.02%; no homozygotes.

Submission:

Labcorp Genetics (formerly Invitae), Labcorp
Classification: Uncertain significance for Combined immunodeficiency due to STK4 deficiency. Last evaluated: 2025-11-24. Review status: criteria provided, single submitter. Criteria: Invitae Variant Classification Sherloc (09022015). Collection method: clinical testing. Allele origin: germline.
Comment: This sequence change replaces arginine, which is basic and polar, with leucine, which is neutral and non-polar, at codon 332 of the STK4 protein (p.Arg332Leu). This variant is present in population databases (rs146085540, gnomAD 0.01%). This variant has not been reported in the literature in individuals affected with STK4-related conditions. ClinVar contains an entry for this variant (Variation ID: 1383067). Invitae Evidence Modeling of protein sequence and biophysical properties (such as structural, functional, and spatial information, amino acid conservation, physicochemical variation, residue mobility, and thermodynamic stability) indicates that this missense variant is not expected to disrupt STK4 protein function with a negative predictive value of 95%. In summary, the available evidence is currently insufficient to determine the role of this variant in disease. Therefore, it has been classified as a Variant of Uncertain Significance.